The following is an entry in ClinVar:

NM_000051.4(ATM):c.2395G>A (p.Ala799Thr)

Gene: ATM (ATM serine/threonine kinase; plus strand). Cytogenetic location: 11q22.3.
Variant type: single nucleotide variant.
Coding change: c.2395G>A on transcript NM_000051.4 (MANE Select); coding-DNA position 2395, G replaced by A.
Protein change: p.Ala799Thr; replaces alanine 799 with threonine.
Molecular consequence: missense variant.
Genome position (GRCh38, 1-based): chr11:108,259,004, G>A. VCF-style: chr11-108259004-G-A. GRCh37 (hg19) VCF-style: chr11-108129731-G-A.
Other names: c.2395G>A, p.Ala799Thr (NM_001351834.2); short protein forms A799T.
Identifiers: ClinVar variation 659502 (VCV000659502.9), dbSNP rs1591551217, ClinGen allele CA382541101.

ClinVar aggregate classification (germline): Uncertain significance. Review status: criteria provided, multiple submitters, no conflicts (2 of 4 stars). 2 submissions from 2 submitters: Uncertain significance (2). Last evaluated 2025-07-24.

Conditions:
Hereditary cancer-predisposing syndrome. Also called: Neoplastic Syndromes, Hereditary; Hereditary neoplastic syndrome; Hereditary Cancer Syndrome; Tumor predisposition. Identifiers: Orphanet 140162, MedGen C0027672, MeSH D009386, MONDO:0015356.
Ataxia-telangiectasia syndrome (AT). Also called: ATAXIA-TELANGIECTASIA, FRESNO VARIANT; Ataxia-telangiectasia, complementation group D; Cerebello-oculocutaneous telangiectasia; Immunodeficiency with ataxia telangiectasia; Ataxia-telangiectasia; Ataxia telangiectasia (A-T). Identifiers: Orphanet 100, MedGen C0004135, MONDO:0008840, OMIM 208900.

Submissions (2):

Ambry Genetics
Classification: Uncertain significance for Hereditary cancer-predisposing syndrome. Last evaluated: 2025-07-24. Review status: criteria provided, single submitter. Criteria: Ambry Variant Classification Scheme 2023. Collection method: clinical testing. Allele origin: germline.
Comment: The p.A799T variant (also known as c.2395G>A), located in coding exon 15 of the ATM gene, results from a G to A substitution at nucleotide position 2395. The alanine at codon 799 is replaced by threonine, an amino acid with similar properties. This amino acid position is conserved. In addition, this alteration is predicted to be tolerated by in silico analysis. Based on the available evidence, the clinical significance of this variant remains unclear.

Labcorp Genetics (formerly Invitae), Labcorp
Classification: Uncertain significance for Ataxia-telangiectasia syndrome. Last evaluated: 2022-09-19. Review status: criteria provided, single submitter. Criteria: Invitae Variant Classification Sherloc (09022015). Collection method: clinical testing. Allele origin: germline.
Comment: This sequence change replaces alanine, which is neutral and non-polar, with threonine, which is neutral and polar, at codon 799 of the ATM protein (p.Ala799Thr). In summary, the available evidence is currently insufficient to determine the role of this variant in disease. Therefore, it has been classified as a Variant of Uncertain Significance. Algorithms developed to predict the effect of missense changes on protein structure and function output the following: SIFT: "Tolerated"; PolyPhen-2: "Benign"; Align-GVGD: "Class C0". The threonine amino acid residue is found in multiple mammalian species, which suggests that this missense change does not adversely affect protein function. ClinVar contains an entry for this variant (Variation ID: 659502). This variant has not been reported in the literature in individuals affected with ATM-related conditions. This variant is not present in population databases (gnomAD no frequency).